The following is an entry in ClinVar:

ClinVar aggregate classification (germline): Uncertain significance (1 of 4 stars; one submission).

gnomAD v4.1: 5 of 1,614,130 alleles (0.00031%); highest among the groups gnomAD compares: East Asian, 0.0022%; no homozygotes.

Submission:

Ambry Genetics
Classification: Uncertain significance. Last evaluated: 2025-02-08. Review status: criteria provided, single submitter. Criteria: Ambry Variant Classification Scheme 2023. Collection method: clinical testing. Allele origin: germline.
Comment: The p.P723L variant (also known as c.2168C>T), located in coding exon 1 of the TET2 gene, results from a C to T substitution at nucleotide position 2168. The proline at codon 723 is replaced by leucine, an amino acid with similar properties. This amino acid position is conserved. In addition, this alteration is predicted to be tolerated by in silico analysis. Based on the available evidence, the clinical significance of this variant remains unclear.

NM_001127208.3(TET2):c.2168C>T (p.Pro723Leu)

Genes: TET2 (tet methylcytosine dioxygenase 2; plus strand), TET2-AS1 (TET2 antisense RNA 1; minus strand). Cytogenetic location: 4q24.
Variant type: single nucleotide variant.
Coding change: c.2168C>T on transcript NM_001127208.3 (MANE Select); coding-DNA position 2168, C replaced by T.
Protein change: p.Pro723Leu; replaces proline 723 with leucine.
Molecular consequence: missense variant.
Genome position (GRCh38, 1-based): chr4:105,236,110, C>T. VCF-style: chr4-105236110-C-T. GRCh37 (hg19) VCF-style: chr4-106157267-C-T.
Other names: c.2168C>T, p.Pro723Leu (NM_017628.4); short protein forms P723L.
Identifiers: ClinVar variation 3806042 (VCV003806042.1).